The following is an entry in ClinVar:

NM_001009944.3(PKD1):c.6905C>T (p.Ala2302Val)

Gene: PKD1 (polycystin 1, transient receptor potential channel interacting; minus strand). Cytogenetic location: 16p13.3.
Variant type: single nucleotide variant.
Coding change: c.6905C>T on transcript NM_001009944.3 (MANE Select); coding-DNA position 6905, C replaced by T.
Protein change: p.Ala2302Val; replaces alanine 2302 with valine.
Molecular consequence: missense variant.
Genome position (GRCh38, 1-based): chr16:2,108,262, G>A on the plus strand (C>T on the coding strand, the complement: PKD1 is on the minus strand). VCF-style: chr16-2108262-G-A. GRCh37 (hg19) VCF-style: chr16-2158263-G-A.
Other names: c.6905C>T, p.Ala2302Val (NM_000296.4); short protein forms A2302V.
Identifiers: ClinVar variation 872309 (VCV000872309.42), dbSNP rs776538508, ClinGen allele CA7831413.

ClinVar aggregate classification (germline): Uncertain significance. Review status: criteria provided, multiple submitters, no conflicts (2 of 4 stars). 2 submissions from 2 submitters: Uncertain significance (2). Last evaluated 2026-02-04.

Allele frequency attached by ClinVar (database versions not stated): gnomAD exomes 0.00001; ExAC 0.00002.

Submissions (2):

Women's Health and Genetics/Laboratory Corporation of America, LabCorp
Classification: Uncertain significance. Last evaluated: 2026-02-04. Review status: criteria provided, single submitter. Criteria: LabCorp Variant Classification Summary - May 2015. Collection method: clinical testing. Allele origin: germline.
Comment: Variant summary: PKD1 c.6905C>T (p.Ala2302Val) results in a non-conservative amino acid change in the encoded protein sequence. Algorithms developed to predict the effect of missense changes on protein structure and function are either unavailable or do not agree on the potential impact of this missense change. The variant allele was found at a frequency of 8.3e-06 in 241794 control chromosomes. The available data on variant occurrences in the general population are insufficient to allow any conclusion about variant significance. To our knowledge, no occurrence of c.6905C>T in individuals affected with PKD1-related conditions and no experimental evidence demonstrating its impact on protein function have been reported. ClinVar contains an entry for this variant (Variation ID: 872309). Based on the evidence outlined above, the variant was classified as uncertain significance.

CeGaT Center for Human Genetics Tuebingen
Classification: Uncertain significance. Last evaluated: 2019-12-01. Review status: criteria provided, single submitter. Criteria: CeGaT Center For Human Genetics Tuebingen Variant Classification Criteria Version 2. Collection method: clinical testing. Allele origin: germline. Affected: yes. Observed: 1 variant allele.